The following is an entry in ClinVar:

NM_000384.3(APOB):c.3168G>A (p.Gln1056=)

Gene: APOB (apolipoprotein B; minus strand). Cytogenetic location: 2p24.1.
Variant type: single nucleotide variant.
Coding change: c.3168G>A on transcript NM_000384.3 (MANE Select); coding-DNA position 3168, G replaced by A.
Protein change: p.Gln1056=; no amino-acid change (glutamine 1056 retained).
Molecular consequence: synonymous variant.
Genome position (GRCh38, 1-based): chr2:21,016,603, C>T on the plus strand (G>A on the coding strand, the complement: APOB is on the minus strand). VCF-style: chr2-21016603-C-T. GRCh37 (hg19) VCF-style: chr2-21239475-C-T.
Identifiers: ClinVar variation 922446 (VCV000922446.17), dbSNP rs760548142, ClinGen allele CA058167.

ClinVar aggregate classification (germline): Likely benign. Review status: criteria provided, multiple submitters, no conflicts (2 of 4 stars). 4 submissions from 4 submitters: Likely benign (4). Last evaluated 2024-07-19.

Conditions:
Cardiovascular phenotype. Identifiers: MedGen CN230736.
Familial hypercholesterolemia. Also called: Familial hypercholesterolemias; Familial hypercholesterolaemia. Identifiers: MedGen C0020445, MONDO:0005439.
Familial hypobetalipoproteinemia 1. Also called: Hypobetalipoproteinemia, normotriglyceridemic; Acanthocytosis with hypobetalipoproteinemia; APOB-Related Familial Hypobetalipoproteinemia. Identifiers: MedGen C4551990, MONDO:0014252, OMIM 615558.
Hypercholesterolemia, autosomal dominant, type B (FHCL2). Also called: Familial Hypercholesterolemia Type B; Familial hypercholesterolemia 2; Hyperlipoproteinemia Type IIb; HYPERCHOLESTEROLEMIA, FAMILIAL, DUE TO LIGAND-DEFECTIVE APOLIPOPROTEIN B; APOLIPOPROTEIN B-100, FAMILIAL DEFECTIVE; APOLIPOPROTEIN B-100, FAMILIAL LIGAND-DEFECTIVE. Identifiers: MedGen C1704417, MONDO:0007751, OMIM 144010.

Allele frequency attached by ClinVar (database versions not stated): ExAC 0.00001; gnomAD exomes 0.00002 and 0.00004; TOPMed 0.00002; gnomAD 0.00003.
gnomAD v4.1: 67 of 1,612,628 alleles (0.0042%); highest among the groups gnomAD compares: Non-Finnish European, 0.0055%; no homozygotes.

Submissions (4):

Labcorp Genetics (formerly Invitae), Labcorp
Classification: Likely benign for Familial hypobetalipoproteinemia 1; Hypercholesterolemia, autosomal dominant, type B. Last evaluated: 2024-07-19. Review status: criteria provided, single submitter. Criteria: Invitae Variant Classification Sherloc (09022015). Collection method: clinical testing. Allele origin: germline.

Blueprint Genetics
Classification: Likely benign. Last evaluated: 2024-04-23. Review status: criteria provided, single submitter. Criteria: ACMG Guidelines, 2015. Collection method: clinical testing. Allele origin: germline.

GENinCode PLC
Classification: Likely benign for Familial hypercholesterolemia. Last evaluated: 2023-05-07. Review status: criteria provided, single submitter. Criteria: ACMG Guidelines, 2015. Collection method: clinical testing. Allele origin: germline.
Comment: This is a synonymous (silent) variant that is not predicted by SpliceAI to impact splicing. In addition, it occurs at a nucleotide that is not conserved. Therefore this variant has been classified as Likely Benign (BP4, BP7).

Ambry Genetics
Classification: Likely benign for Cardiovascular phenotype. Last evaluated: 2020-06-15. Review status: criteria provided, single submitter. Criteria: Ambry Variant Classification Scheme 2023. Collection method: clinical testing. Allele origin: germline.